The following is an entry in ClinVar:

ClinVar aggregate classification (germline): Uncertain significance (1 of 4 stars; one submission).

Conditions:
Cardiovascular phenotype. Identifiers: MedGen CN230736.

Allele frequency attached by ClinVar (database versions not stated): gnomAD exomes below 0.00001.

Submission:

Ambry Genetics
Classification: Uncertain significance for Cardiovascular phenotype. Last evaluated: 2020-01-07. Review status: criteria provided, single submitter. Criteria: Ambry Variant Classification Scheme 2023. Collection method: clinical testing. Allele origin: germline.
Comment: The p.I50V variant (also known as c.148A>G), located in coding exon 1 of the KCNJ8 gene, results from an A to G substitution at nucleotide position 148. The isoleucine at codon 50 is replaced by valine, an amino acid with highly similar properties. This amino acid position is highly conserved in available vertebrate species. In addition, the in silico prediction for this alteration is inconclusive. Since supporting evidence is limited at this time, the clinical significance of this alteration remains unclear.

NM_004982.4(KCNJ8):c.148A>G (p.Ile50Val)

Genes: KCNJ8 (potassium inwardly rectifying channel subfamily J member 8; minus strand), KCNJ8-AS1 (KCNJ8 antisense RNA 1; plus strand). Cytogenetic location: 12p12.1.
Variant type: single nucleotide variant.
Coding change: c.148A>G on transcript NM_004982.4 (MANE Select); coding-DNA position 148, A replaced by G.
Protein change: p.Ile50Val; replaces isoleucine 50 with valine.
Molecular consequence: missense variant.
Genome position (GRCh38, 1-based): chr12:21,773,469, T>C on the plus strand (A>G on the coding strand, the complement: KCNJ8 is on the minus strand). VCF-style: chr12-21773469-T-C. GRCh37 (hg19) VCF-style: chr12-21926403-T-C.
Identifiers: ClinVar variation 1773740 (VCV001773740.2), dbSNP rs2540728521, ClinGen allele CA384131768.